The following is an entry in ClinVar:

ClinVar aggregate classification (germline): Uncertain significance (1 of 4 stars; one submission).

gnomAD v4.1: 16 of 1,243,354 alleles (0.0013%); highest among the groups gnomAD compares: Admixed American, 0.01%; no homozygotes.

Submission:

Dasa
Classification: Uncertain significance. Last evaluated: 2026-03-23. Review status: criteria provided, single submitter. Criteria: DASA Assertion Criteria. Collection method: clinical testing. Allele origin: germline.
Comment: NM_001384474.1(LOXHD1):c.1271-104C>T is an intronic variant. This variant is rare in population databases. The currently available literature and clinical evidence are not sufficient to establish a definitive association between this variant and the reported condition. Therefore, this variant is classified as a variant of uncertain significance.

NM_001384474.1(LOXHD1):c.1271-104C>T

Gene: LOXHD1 (lipoxygenase homology PLAT domains 1; minus strand). Cytogenetic location: 18q21.1.
Variant type: single nucleotide variant.
Coding change: c.1271-104C>T on transcript NM_001384474.1 (MANE Select); 104 bases into the intron before coding-DNA position 1271, C replaced by T.
Molecular consequence: intron variant.
Genome position (GRCh38, 1-based): chr18:46,593,864, G>A on the plus strand (C>T on the coding strand, the complement: LOXHD1 is on the minus strand). VCF-style: chr18-46593864-G-A. GRCh37 (hg19) VCF-style: chr18-44173827-G-A.
Other names: c.1271-104C>T (NM_144612.7).
Identifiers: ClinVar variation 4883522 (VCV004883522.2).